The following is an entry in ClinVar:

ClinVar aggregate classification (germline): Uncertain significance (1 of 4 stars; one submission).

Conditions:
LAMA2-related muscular dystrophy (LAMA2-RD). Also called: Laminin alpha 2-related dystrophy. Identifiers: MedGen C5679788, MONDO:0100228.

Submission:

Labcorp Genetics (formerly Invitae), Labcorp
Classification: Uncertain significance for LAMA2-related muscular dystrophy. Last evaluated: 2022-09-19. Review status: criteria provided, single submitter. Criteria: Invitae Variant Classification Sherloc (09022015). Collection method: clinical testing. Allele origin: germline.
Comment: In summary, the available evidence is currently insufficient to determine the role of this variant in disease. Therefore, it has been classified as a Variant of Uncertain Significance. Advanced modeling of protein sequence and biophysical properties (such as structural, functional, and spatial information, amino acid conservation, physicochemical variation, residue mobility, and thermodynamic stability) performed at Invitae indicates that this missense variant is not expected to disrupt LAMA2 protein function. This variant has not been reported in the literature in individuals affected with LAMA2-related conditions. This variant is not present in population databases (gnomAD no frequency). This sequence change replaces aspartic acid, which is acidic and polar, with valine, which is neutral and non-polar, at codon 2545 of the LAMA2 protein (p.Asp2545Val).

NM_000426.4(LAMA2):c.7634A>T (p.Asp2545Val)

Gene: LAMA2 (laminin subunit alpha 2; plus strand). Cytogenetic location: 6q22.33.
Variant type: single nucleotide variant.
Coding change: c.7634A>T on transcript NM_000426.4 (MANE Select); coding-DNA position 7634, A replaced by T.
Protein change: p.Asp2545Val; replaces aspartic acid 2545 with valine.
Molecular consequence: missense variant.
Genome position (GRCh38, 1-based): chr6:129,481,324, A>T. VCF-style: chr6-129481324-A-T. GRCh37 (hg19) VCF-style: chr6-129802469-A-T.
Other names: c.7622A>T, p.Asp2541Val (NM_001079823.2); short protein forms D2541V, D2545V.
Identifiers: ClinVar variation 1901631 (VCV001901631.5), dbSNP rs2533477925, ClinGen allele CA365627941.